The following is an entry in ClinVar:

ClinVar aggregate classification (germline): Likely pathogenic. Review status: criteria provided, multiple submitters, no conflicts (2 of 4 stars). 2 submissions from 2 submitters: Likely pathogenic (2). Last evaluated 2024-10-09.

Conditions:
Dilated cardiomyopathy 1G (CMD1G). Identifiers: Orphanet 154, MedGen C1858763, MONDO:0011400, OMIM 604145.
Autosomal recessive limb-girdle muscular dystrophy type 2J (LGMDR10). Also called: Limb-girdle muscular dystrophy, type 2J; MUSCULAR DYSTROPHY, LIMB-GIRDLE, AUTOSOMAL RECESSIVE 10. Identifiers: Orphanet 140922, MedGen C1837342, MONDO:0012127, OMIM 608807.
Cardiovascular phenotype. Identifiers: MedGen CN230736.

Submissions (2):

Labcorp Genetics (formerly Invitae), Labcorp
Classification: Likely pathogenic for Dilated cardiomyopathy 1G; Autosomal recessive limb-girdle muscular dystrophy type 2J. Last evaluated: 2024-10-09. Review status: criteria provided, single submitter. Criteria: Invitae Variant Classification Sherloc (09022015). Collection method: clinical testing. Allele origin: germline.
Comment: This sequence change creates a premature translational stop signal (p.Arg29374Thrfs*2) in the TTN gene. While this is not anticipated to result in nonsense mediated decay, it is expected to create a truncated TTN protein. This variant is not present in population databases (gnomAD no frequency). This premature translational stop signal has been observed in individual(s) with dilated cardiomyopathy (internal data). This variant is located in the A band of TTN (PMID: 25589632). Truncating variants in this region are significantly overrepresented in patients affected with dilated cardiomyopathy (PMID: 25589632). Truncating variants in this region have also been reported in individuals affected with autosomal recessive centronuclear myopathy (PMID: 23975875). In summary, the currently available evidence indicates that the variant is pathogenic, but additional data are needed to prove that conclusively. Therefore, this variant has been classified as Likely Pathogenic.

Molecular Diagnostic Laboratory for Inherited Cardiovascular Disease, Montreal Heart Institute
Classification: Likely pathogenic for Cardiovascular phenotype. Last evaluated: 2021-02-16. Review status: criteria provided, single submitter. Criteria: ACMG Guidelines, 2015. Collection method: clinical testing. Allele origin: germline. Affected: yes.

Literature cited by the submitters: PubMed 25589632 (cited by Labcorp Genetics (formerly Invitae), Labcorp); PubMed 23975875 (cited by Labcorp Genetics (formerly Invitae), Labcorp).

NM_001267550.2(TTN):c.88121_88122del (p.Arg29374fs)

Genes: TTN (titin; minus strand), TTN-AS1 (TTN antisense RNA 1; plus strand). Cytogenetic location: 2q31.2.
Variant type: Microsatellite.
Coding change: c.88121_88122del on transcript NM_001267550.2 (MANE Select); coding-DNA positions 88121 to 88122, 2 bases deleted (GA; older notation c.88121_88122delGA).
Protein change: p.Arg29374fs; shifts the reading frame from arginine 29374.
Molecular consequence: frameshift variant.
Genome position (GRCh38, 1-based): chr2:178,557,032-178,557,033, TC deleted on the plus strand (GA on the coding strand, the reverse complement: TTN is on the minus strand); deleting any 2 consecutive bases within chr2:178,557,032-178,557,037 gives the same sequence; the c. name uses the placement nearest the transcript's 3' end. VCF-style (leftmost placement, unchanged base first): chr2-178557031-GTC-G. GRCh37 (hg19) VCF-style: chr2-179421758-GTC-G.
Other names: c.83198_83199del, p.Arg27733fs (NM_001256850.1); c.60926_60927del, p.Arg20309fs (NM_003319.4); c.80417_80418del, p.Arg26806fs (NM_133378.4); c.61301_61302del, p.Arg20434fs (NM_133432.3); c.61502_61503del, p.Arg20501fs (NM_133437.4); short protein forms R20309fs, R20434fs, R20501fs, R26806fs, R27733fs, R29374fs.
Identifiers: ClinVar variation 3759414 (VCV003759414.3).